The following is an entry in ClinVar:

NM_002439.5(MSH3):c.2318+1G>A

Gene: MSH3 (mutS homolog 3; plus strand). Cytogenetic location: 5q14.1.
Variant type: single nucleotide variant.
Coding change: c.2318+1G>A on transcript NM_002439.5 (MANE Select); the canonical splice donor site of the intron after coding-DNA position 2318, G replaced by A.
Molecular consequence: splice donor variant.
Genome position (GRCh38, 1-based): chr5:80,775,759, G>A. VCF-style: chr5-80775759-G-A. GRCh37 (hg19) VCF-style: chr5-80071578-G-A.
Other names: c.2318+1G>A (NM_002439.3).
Identifiers: ClinVar variation 2794744 (VCV002794744.4), dbSNP rs1440624217, ClinGen allele CA360281041.

ClinVar aggregate classification (germline): Likely pathogenic. Review status: criteria provided, multiple submitters, no conflicts (2 of 4 stars). 2 submissions from 2 submitters: Likely pathogenic (2). Last evaluated 2026-04-23.

Conditions:
Hereditary cancer-predisposing syndrome. Also called: Tumor predisposition; Hereditary neoplastic syndrome; Neoplastic Syndromes, Hereditary; Hereditary Cancer Syndrome. Identifiers: Orphanet 140162, MedGen C0027672, MeSH D009386, MONDO:0015356.

Allele frequency attached by ClinVar (database versions not stated): gnomAD exomes below 0.00001.
gnomAD v4.1: 1 of 1,575,620 alleles (0.000063%); highest among the groups gnomAD compares: South Asian, 0.0011%; no homozygotes.

Submissions (2):

Ambry Genetics
Classification: Likely pathogenic for Hereditary cancer-predisposing syndrome. Last evaluated: 2026-04-23. Review status: criteria provided, single submitter. Criteria: Ambry Variant Classification Scheme 2023. Collection method: clinical testing. Allele origin: germline.
Comment: The c.2318+1G>A intronic variant results from a G to A substitution one nucleotide after coding exon 16 of the MSH3 gene. This nucleotide position is highly conserved in available vertebrate species. In silico splice site analysis predicts that this alteration will weaken the native splice donor site. RNA studies have demonstrated that this variant results in abnormal splicing in the set of samples tested (Ambry internal data). This variant is considered to be rare based on population cohorts in the Genome Aggregation Database (gnomAD). Alterations that disrupt the canonical splice site are expected to cause aberrant splicing, resulting in an abnormal protein or a transcript that is subject to nonsense-mediated mRNA decay. As such, this alteration is classified as likely pathogenic.

Labcorp Genetics (formerly Invitae), Labcorp
Classification: Likely pathogenic. Last evaluated: 2023-11-03. Review status: criteria provided, single submitter. Criteria: Invitae Variant Classification Sherloc (09022015). Collection method: clinical testing. Allele origin: germline.
Comment: This sequence change affects a donor splice site in intron 16 of the MSH3 gene. It is expected to disrupt RNA splicing. Variants that disrupt the donor or acceptor splice site typically lead to a loss of protein function (PMID: 16199547), and loss-of-function variants in MSH3 are known to be pathogenic (PMID: 27476653, 37402566). This variant is present in population databases (no rsID available, gnomAD 0.003%). This variant has not been reported in the literature in individuals affected with MSH3-related conditions. Algorithms developed to predict the effect of sequence changes on RNA splicing suggest that this variant may disrupt the consensus splice site. In summary, the currently available evidence indicates that the variant is pathogenic, but additional data are needed to prove that conclusively. Therefore, this variant has been classified as Likely Pathogenic.

Literature cited by the submitters: PubMed 16199547 (cited by Labcorp Genetics (formerly Invitae), Labcorp); PubMed 27476653 (cited by Labcorp Genetics (formerly Invitae), Labcorp); PubMed 37402566 (cited by Labcorp Genetics (formerly Invitae), Labcorp).